The following is an entry in ClinVar:

NM_020738.4(KIDINS220):c.3949G>T (p.Glu1317Ter)

Gene: KIDINS220 (kinase D interacting substrate 220; minus strand). Cytogenetic location: 2p25.1.
Variant type: single nucleotide variant.
Coding change: c.3949G>T on transcript NM_020738.4 (MANE Select); coding-DNA position 3949, G replaced by T.
Protein change: p.Glu1317Ter; replaces glutamic acid 1317 with a stop codon.
Molecular consequence: nonsense. On other transcripts: non-coding transcript variant (2).
Genome position (GRCh38, 1-based): chr2:8,733,548, C>A on the plus strand (G>T on the coding strand, the complement: KIDINS220 is on the minus strand). VCF-style: chr2-8733548-C-A. GRCh37 (hg19) VCF-style: chr2-8873678-C-A.
Other names: c.3952G>T, p.Glu1318Ter (NM_001348729.2); c.3895G>T, p.Glu1299Ter (NM_001348731.2); c.3892G>T, p.Glu1298Ter (NM_001348732.2, NM_001348738.2); c.3781G>T, p.Glu1261Ter (NM_001348734.2, NM_001348739.2, NM_001348740.2); c.3778G>T, p.Glu1260Ter (NM_001348735.2, NM_001348741.2, NM_001348742.2 and 1 more transcripts); c.3652G>T, p.Glu1218Ter (NM_001348736.2); short protein forms E1218*, E1261*, E1298*, E1260*, E1299*, E1317*, E1318*.
Identifiers: ClinVar variation 3658634 (VCV003658634.2).

ClinVar aggregate classification (germline): Pathogenic (1 of 4 stars; one submission).

Submission:

Labcorp Genetics (formerly Invitae), Labcorp
Classification: Pathogenic. Last evaluated: 2024-07-03. Review status: criteria provided, single submitter. Criteria: Invitae Variant Classification Sherloc (09022015). Collection method: clinical testing. Allele origin: germline.
Comment: This sequence change creates a premature translational stop signal (p.Glu1317*) in the KIDINS220 gene. It is expected to result in an absent or disrupted protein product. Loss-of-function variants in KIDINS220 are known to be pathogenic (PMID: 28934391, 32909676). This variant is not present in population databases (gnomAD no frequency). This variant has not been reported in the literature in individuals affected with KIDINS220-related conditions. For these reasons, this variant has been classified as Pathogenic.

Literature cited by the submitters: PubMed 28934391; PubMed 32909676.